The following is an entry in ClinVar:

NM_000169.3(GLA):c.640-201_640-196del

Genes: GLA (galactosidase alpha; minus strand), RPL36A-HNRNPH2 (RPL36A-HNRNPH2 readthrough; plus strand). Cytogenetic location: Xq22.1.
Variant type: Deletion.
Coding change: c.640-201_640-196del on transcript NM_000169.3 (MANE Select); 201 bases into the intron before coding-DNA position 640 through 196 bases into the intron before coding-DNA position 640, 6 bases deleted (CTTTAA; older notation c.640-201_640-196delCTTTAA).
Molecular consequence: intron variant.
Genome position (GRCh38, 1-based): chrX:101,399,142-101,399,147, TTAAAG deleted on the plus strand (CTTTAA on the coding strand, the reverse complement: GLA is on the minus strand); deleting any 6 consecutive bases within chrX:101,399,142-101,399,151 gives the same sequence; the c. name uses the placement nearest the transcript's 3' end. VCF-style (leftmost placement, unchanged base first): chrX-101399141-CTTAAAG-C. GRCh37 (hg19) VCF-style: chrX-100654129-CTTAAAG-C.
Other names: c.300+3689_300+3694del (NM_001199973.2); c.177+7324_177+7329del (NM_001199974.2); c.763-201_763-196del (NM_001406747.1); c.640-201_640-196del (NM_001406748.1).
Identifiers: ClinVar variation 674580 (VCV000674580.1), dbSNP rs199939678, ClinGen allele CA517520151.

ClinVar aggregate classification (germline): Benign (1 of 4 stars; one submission).

Submission:

GeneDx
Classification: Benign. Last evaluated: 2018-06-19. Review status: criteria provided, single submitter. Criteria: GeneDx Variant Classification (06012015). Collection method: clinical testing. Allele origin: germline. Affected: yes.
Comment: This variant is considered likely benign or benign based on one or more of the following criteria: it is a conservative change, it occurs at a poorly conserved position in the protein, it is predicted to be benign by multiple in silico algorithms, and/or has population frequency not consistent with disease.